The following is an entry in ClinVar:

NC_000016.10:g.(89791537_89791926)_(89792069_89792470)del

Gene: FANCA (FA complementation group A; minus strand). Cytogenetic location: 16q24.3.
Variant type: Deletion.
Identifiers: ClinVar variation 974001 (VCV000974001.1).

ClinVar aggregate classification (germline): Pathogenic (0 of 4 stars; one submission).

Conditions:
Fanconi anemia complementation group A (FANCA). Also called: Fanconi anemia, group A; FANCA-Related Fanconi Anemia. Identifiers: Orphanet 84, MedGen C3469521, MONDO:0009215, OMIM 227650.

Submission:

Leiden Open Variation Database
Classification: Pathogenic for Fanconi anemia complementation group A. Last evaluated: 2020-02-28. Review status: no assertion criteria provided. Collection method: curation. Allele origin: germline. Affected: yes.
Comment: Curator: Arleen D. Auerbach. Submitter to LOVD: Arleen D. Auerbach.